The following is an entry in ClinVar:

ClinVar aggregate classification (germline): Uncertain significance (1 of 4 stars; one submission).

Conditions:
PKHD1-related disorder. Also called: PKHD1-related condition.

gnomAD v4.1: 2 of 1,613,914 alleles (0.00012%); highest among the groups gnomAD compares: African/African-American, 0.0013%; no homozygotes.

Submission:

PreventionGenetics, part of Exact Sciences
Classification: Uncertain significance for PKHD1-related condition. Last evaluated: 2025-12-24. Review status: criteria provided, single submitter. Criteria: ACMG Guidelines, 2015. Collection method: clinical testing. Allele origin: germline.
Comment: The PKHD1 c.1814A>G variant is predicted to result in the amino acid substitution p.Tyr605Cys. To our knowledge, this variant has not been reported in the literature. This variant is reported in 0.0065% of alleles in individuals of European (Non-Finnish) descent in gnomAD. At this time, the clinical significance of this variant is uncertain due to the absence of conclusive functional and genetic evidence.

NM_138694.4(PKHD1):c.1814A>G (p.Tyr605Cys)

Gene: PKHD1 (PKHD1 ciliary IPT domain containing fibrocystin/polyductin; minus strand). Cytogenetic location: 6p12.2.
Variant type: single nucleotide variant.
Coding change: c.1814A>G on transcript NM_138694.4 (MANE Select); coding-DNA position 1814, A replaced by G.
Protein change: p.Tyr605Cys; replaces tyrosine 605 with cysteine.
Molecular consequence: missense variant.
Genome position (GRCh38, 1-based): chr6:52,055,609, T>C on the plus strand (A>G on the coding strand, the complement: PKHD1 is on the minus strand). VCF-style: chr6-52055609-T-C. GRCh37 (hg19) VCF-style: chr6-51920407-T-C.
Other names: c.1814A>G, p.Tyr605Cys (NM_170724.3); short protein forms Y605C.
Identifiers: ClinVar variation 4984323 (VCV004984323.1).